The following is an entry in ClinVar:

ClinVar aggregate classification (germline): Likely pathogenic (1 of 4 stars; one submission).

Conditions:
3-methylcrotonyl-CoA carboxylase 2 deficiency. Also called: 3 alpha methylcrotonyl-CoA carboxylase 2 deficiency; 3 alpha methylcrotonylglycinuria 2; MCC 2 deficiency; Methylcrotonylglycinuria type 2; METHYLCROTONYLGLYCINURIA, TYPE II. Identifiers: Orphanet 6, MedGen C1859499, MONDO:0008862, OMIM 210210.

Submission:

Natera, Inc.
Classification: Likely pathogenic for 3-methylcrotonyl-CoA carboxylase 2 deficiency. Last evaluated: 2025-09-07. Review status: criteria provided, single submitter. Criteria: Natera Variant Classification Schema (03/2026). Collection method: clinical testing. Allele origin: germline.
Comment: The c.475del variant in MCCC2 is a frameshift variant predicted to shift the reading frame beginning at codon 159 and leads to a stop codon 12 codons downstream. This variant is expected to result in nonsense mediated decay, truncation, or a dysfunctional protein product. This variant is rare in the general population with a frequency below the threshold expected for the associated phenotype(s). Given the available evidence, this variant is classified as Likely Pathogenic.

NM_022132.5(MCCC2):c.475del (p.Ile159fs)

Gene: MCCC2 (methylcrotonyl-CoA carboxylase subunit 2; plus strand). Cytogenetic location: 5q13.2.
Variant type: Deletion.
Coding change: c.475del on transcript NM_022132.5 (MANE Select); coding-DNA position 475, one base deleted (A; older notation c.475delA).
Protein change: p.Ile159fs; shifts the reading frame from isoleucine 159.
Molecular consequence: frameshift variant.
Genome position (GRCh38, 1-based): chr5:71,602,597, A deleted; the last of 3 consecutive A bases (chr5:71,602,595-71,602,597); deleting any one gives the same sequence. VCF-style (leftmost placement, unchanged base first): chr5-71602594-GA-G. GRCh37 (hg19) VCF-style: chr5-70898421-GA-G.
Other names: c.475del, p.Ile159fs (NM_001363147.1); short protein forms I159fs.
Identifiers: ClinVar variation 4816105 (VCV004816105.1).